The following is an entry in ClinVar:

NC_000022.10:g.(?_24129361)_24282899dup

Gene: SMARCB1 (SWI/SNF related BAF chromatin remodeling complex subunit B1; plus strand).
Variant type: Duplication.
Identifiers: ClinVar variation 1062548 (VCV001062548.2).

ClinVar aggregate classification (germline): Uncertain significance (1 of 4 stars; one submission).

Submission:

Labcorp Genetics (formerly Invitae), Labcorp
Classification: Uncertain significance. Last evaluated: 2020-08-14. Review status: criteria provided, single submitter. Criteria: Invitae Variant Classification Sherloc (09022015). Collection method: clinical testing. Allele origin: germline.
Comment: A gross duplication of the genomic region encompassing nearly the full coding sequence of the SMARCB1 gene has been identified. The 5' breakpoint is located at the c.5 position in exon 1, which affects the second methionine among four consecutive initiator methionines. The 3' boundary of this event may extend beyond the assayed region for this gene and therefore may encompass additional genes. The duplicated copy of this region is in tandem. This variant has not been reported in the literature in individuals with SMARCB1-related conditions. Experimental studies and prediction algorithms are not available or were not evaluated, and the functional significance of this variant is currently unknown. In summary, the available evidence is currently insufficient to determine the role of this variant in disease. Therefore, it has been classified as a Variant of Uncertain Significance.